The following is an entry in ClinVar:

ClinVar aggregate classification (germline): Uncertain significance (1 of 4 stars; one submission).

Conditions:
Charcot-Marie-Tooth disease axonal type 2O. Also called: CHARCOT-MARIE-TOOTH NEUROPATHY, AXONAL, TYPE 2O; CHARCOT-MARIE-TOOTH DISEASE, AXONAL, AUTOSOMAL DOMINANT, TYPE 2O; Charcot-Marie-Tooth Neuropathy Type 2O; Charcot-Marie-Tooth disease, axonal, type 20. Identifiers: Orphanet 284232, MedGen C3280220, MONDO:0013644, OMIM 614228.

Submission:

Labcorp Genetics (formerly Invitae), Labcorp
Classification: Uncertain significance for Charcot-Marie-Tooth disease axonal type 2O. Last evaluated: 2023-11-24. Review status: criteria provided, single submitter. Criteria: Invitae Variant Classification Sherloc (09022015). Collection method: clinical testing. Allele origin: germline.
Comment: This sequence change falls in intron 12 of the DYNC1H1 gene. It does not directly change the encoded amino acid sequence of the DYNC1H1 protein. It affects a nucleotide within the consensus splice site. This variant is not present in population databases (gnomAD no frequency). This variant has not been reported in the literature in individuals affected with DYNC1H1-related conditions. Variants that disrupt the consensus splice site are a relatively common cause of aberrant splicing (PMID: 17576681, 9536098). Algorithms developed to predict the effect of sequence changes on RNA splicing suggest that this variant is not likely to affect RNA splicing. In summary, the available evidence is currently insufficient to determine the role of this variant in disease. Therefore, it has been classified as a Variant of Uncertain Significance.

Literature cited by the submitters: PubMed 17576681; PubMed 9536098.

NM_001376.5(DYNC1H1):c.3156+6A>G

Gene: DYNC1H1 (dynein cytoplasmic 1 heavy chain 1; plus strand). Cytogenetic location: 14q32.31.
Variant type: single nucleotide variant.
Coding change: c.3156+6A>G on transcript NM_001376.5 (MANE Select); 6 bases into the intron after coding-DNA position 3156, A replaced by G.
Molecular consequence: intron variant.
Genome position (GRCh38, 1-based): chr14:101,994,330, A>G. VCF-style: chr14-101994330-A-G. GRCh37 (hg19) VCF-style: chr14-102460667-A-G.
Identifiers: ClinVar variation 2698221 (VCV002698221.3), dbSNP rs2503713595, ClinGen allele CA2697554194.